The following is an entry in ClinVar:

ClinVar aggregate classification (germline): Conflicting classifications of pathogenicity. Review status: criteria provided, conflicting classifications (1 of 4 stars). 3 submissions from 3 submitters: Uncertain significance (1); Likely benign (1). 1 of the submissions does not count toward it. Last evaluated 2025-07-10.

Conditions:
Inborn genetic diseases. Identifiers: MedGen C0950123, MeSH D030342.
Polyglandular autoimmune syndrome, type 1 (APS1). Also called: Autoimmune polyendocrine syndrome type 1; Autoimmune polyendocrinopathy syndrome, type I; HYPOADRENOCORTICISM WITH HYPOPARATHYROIDISM AND SUPERFICIAL MONILIASIS; PGA I; AUTOIMMUNE POLYENDOCRINE SYNDROME, TYPE I, WITH OR WITHOUT REVERSIBLE METAPHYSEAL DYSPLASIA; APS I. Identifiers: Orphanet 3453, MedGen C0085859, MONDO:0009411, OMIM 240300.

Allele frequency attached by ClinVar (database versions not stated): ExAC 0.00001; gnomAD exomes 0.00002; TOPMed 0.00002.

Submissions (3):

Labcorp Genetics (formerly Invitae), Labcorp
Classification: Uncertain significance for Polyglandular autoimmune syndrome, type 1. Last evaluated: 2025-07-10. Review status: criteria provided, single submitter. Criteria: Invitae Variant Classification Sherloc (09022015). Collection method: clinical testing. Allele origin: germline.
Comment: This sequence change replaces proline, which is neutral and non-polar, with leucine, which is neutral and non-polar, at codon 398 of the AIRE protein (p.Pro398Leu). This variant is present in population databases (rs754391375, gnomAD 0.02%). This variant has not been reported in the literature in individuals affected with AIRE-related conditions. ClinVar contains an entry for this variant (Variation ID: 951516). Invitae Evidence Modeling of protein sequence and biophysical properties (such as structural, functional, and spatial information, amino acid conservation, physicochemical variation, residue mobility, and thermodynamic stability) indicates that this missense variant is not expected to disrupt AIRE protein function with a negative predictive value of 95%. In summary, the available evidence is currently insufficient to determine the role of this variant in disease. Therefore, it has been classified as a Variant of Uncertain Significance.

Ambry Genetics
Classification: Likely benign for Inborn genetic diseases. Last evaluated: 2024-10-25. Review status: criteria provided, single submitter. Criteria: Ambry Variant Classification Scheme 2023. Collection method: clinical testing. Allele origin: germline.

Natera, Inc.
Classification: Uncertain significance for Polyglandular autoimmune syndrome type 1. Last evaluated: 2020-02-26. Review status: no assertion criteria provided. Collection method: clinical testing. Allele origin: germline. Not counted in ClinVar's aggregate classification.

NM_000383.4(AIRE):c.1193C>T (p.Pro398Leu)

Gene: AIRE (autoimmune regulator; plus strand). Cytogenetic location: 21q22.3.
Variant type: single nucleotide variant.
Coding change: c.1193C>T on transcript NM_000383.4 (MANE Select); coding-DNA position 1193, C replaced by T.
Protein change: p.Pro398Leu; replaces proline 398 with leucine.
Molecular consequence: missense variant.
Genome position (GRCh38, 1-based): chr21:44,293,090, C>T. VCF-style: chr21-44293090-C-T. GRCh37 (hg19) VCF-style: chr21-45712973-C-T.
Other names: c.1193C>T (NM_000383.2); short protein forms P398L.
Identifiers: ClinVar variation 951516 (VCV000951516.9), dbSNP rs754391375, ClinGen allele CA10051984.